The following is an entry in ClinVar:

ClinVar aggregate classification (germline): Uncertain significance (1 of 4 stars; one submission).

Conditions:
Cardiovascular phenotype. Identifiers: MedGen CN230736.

Allele frequency attached by ClinVar (database versions not stated): gnomAD exomes below 0.00001; ExAC 0.00001; gnomAD 0.00002; TOPMed 0.00002.
gnomAD v4.1: 4 of 1,614,088 alleles (0.00025%); highest among the groups gnomAD compares: African/African-American, 0.0053%; no homozygotes.

Submission:

Ambry Genetics
Classification: Uncertain significance for Cardiovascular phenotype. Last evaluated: 2023-10-08. Review status: criteria provided, single submitter. Criteria: Ambry Variant Classification Scheme 2023. Collection method: clinical testing. Allele origin: germline.
Comment: The p.L910M variant (also known as c.2728C>A), located in coding exon 20 of the MYH6 gene, results from a C to A substitution at nucleotide position 2728. The leucine at codon 910 is replaced by methionine, an amino acid with highly similar properties. This amino acid position is conserved. In addition, this alteration is predicted to be deleterious by in silico analysis. Since supporting evidence is limited at this time, the clinical significance of this alteration remains unclear.

NM_002471.4(MYH6):c.2728C>A (p.Leu910Met)

Gene: MYH6 (myosin heavy chain 6; minus strand). Cytogenetic location: 14q11.2.
Variant type: single nucleotide variant.
Coding change: c.2728C>A on transcript NM_002471.4 (MANE Select); coding-DNA position 2728, C replaced by A.
Protein change: p.Leu910Met; replaces leucine 910 with methionine.
Molecular consequence: missense variant.
Genome position (GRCh38, 1-based): chr14:23,393,866, G>T on the plus strand (C>A on the coding strand, the complement: MYH6 is on the minus strand). VCF-style: chr14-23393866-G-T. GRCh37 (hg19) VCF-style: chr14-23863075-G-T.
Other names: short protein forms L910M.
Identifiers: ClinVar variation 1795253 (VCV001795253.2), dbSNP rs748422422, ClinGen allele CA7115379.